The following is an entry in ClinVar:

ClinVar aggregate classification (germline): Uncertain significance. Review status: criteria provided, multiple submitters, no conflicts (2 of 4 stars). 2 submissions from 2 submitters: Uncertain significance (2). Last evaluated 2026-01-02.

Conditions:
Cardiovascular phenotype. Identifiers: MedGen CN230736.
Desmin-related myofibrillar myopathy (MFM1). Also called: MYOFIBRILLAR MYOPATHY WITH ARRHYTHMOGENIC RIGHT VENTRICULAR CARDIOMYOPATHY; DESMIN-RELATED MYOPATHY WITH ARRHYTHMOGENIC RIGHT VENTRICULAR CARDIOMYOPATHY; Myofibrillar myopathy 1; Desminopathy; Desmin related myopathy (former name); Desmin storage myopathy (former name). Identifiers: Orphanet 363543, Orphanet 98909, MedGen C1832370, MONDO:0011076, OMIM 601419.

Allele frequency attached by ClinVar (database versions not stated): gnomAD exomes below 0.00001; gnomAD 0.00001.
gnomAD v4.1: 3 of 1,562,000 alleles (0.00019%); highest among the groups gnomAD compares: Non-Finnish European, 0.00026%; no homozygotes.

Submissions (2):

Ambry Genetics
Classification: Uncertain significance for Cardiovascular phenotype. Last evaluated: 2026-01-02. Review status: criteria provided, single submitter. Criteria: Ambry Variant Classification Scheme 2023. Collection method: clinical testing. Allele origin: germline.
Comment: The p.E153D variant (also known as c.459G>C), located in coding exon 1 of the DES gene, results from a G to C substitution at nucleotide position 459. The glutamic acid at codon 153 is replaced by aspartic acid, an amino acid with highly similar properties. This amino acid position is conserved. In addition, this alteration is predicted to be tolerated by in silico analysis. Based on the available evidence, the clinical significance of this variant remains unclear.

Labcorp Genetics (formerly Invitae), Labcorp
Classification: Uncertain significance for Desmin-related myofibrillar myopathy. Last evaluated: 2023-07-31. Review status: criteria provided, single submitter. Criteria: Invitae Variant Classification Sherloc (09022015). Collection method: clinical testing. Allele origin: germline.
Comment: In summary, the available evidence is currently insufficient to determine the role of this variant in disease. Therefore, it has been classified as a Variant of Uncertain Significance. Advanced modeling of protein sequence and biophysical properties (such as structural, functional, and spatial information, amino acid conservation, physicochemical variation, residue mobility, and thermodynamic stability) performed at Invitae indicates that this missense variant is not expected to disrupt DES protein function. This variant has not been reported in the literature in individuals affected with DES-related conditions. This variant is present in population databases (no rsID available, gnomAD 0.003%). This sequence change replaces glutamic acid, which is acidic and polar, with aspartic acid, which is acidic and polar, at codon 153 of the DES protein (p.Glu153Asp).

NM_001927.4(DES):c.459G>C (p.Glu153Asp)

Gene: DES (desmin; plus strand). Cytogenetic location: 2q35.
Variant type: single nucleotide variant.
Coding change: c.459G>C on transcript NM_001927.4 (MANE Select); coding-DNA position 459, G replaced by C.
Protein change: p.Glu153Asp; replaces glutamic acid 153 with aspartic acid.
Molecular consequence: missense variant.
Genome position (GRCh38, 1-based): chr2:219,418,921, G>C. VCF-style: chr2-219418921-G-C. GRCh37 (hg19) VCF-style: chr2-220283643-G-C.
Other names: c.459G>C, p.Glu153Asp (NM_001382708.1, NM_001382709.1, NM_001382710.1 and 3 more transcripts); short protein forms E153D.
Identifiers: ClinVar variation 2922965 (VCV002922965.4), dbSNP rs1257218945, ClinGen allele CA350686378.